The following is an entry in ClinVar:

ClinVar aggregate classification (germline): Likely benign. Review status: criteria provided, single submitter (1 of 4 stars). 2 submissions from 2 submitters: Likely benign (1). 1 of the submissions does not count toward it. Last evaluated 2025-02-17.

Conditions:
C1R-related disorder. Also called: C1R-related condition.

Allele frequency attached by ClinVar (database versions not stated): TOPMed below 0.00001; gnomAD exomes 0.00001.
gnomAD v4.1: 6 of 723,932 alleles (0.00083%); highest among the groups gnomAD compares: Non-Finnish European, 0.0015%; no homozygotes.

Submissions (2):

Women's Health and Genetics/Laboratory Corporation of America, LabCorp
Classification: Likely benign. Last evaluated: 2025-02-17. Review status: criteria provided, single submitter. Criteria: LabCorp Variant Classification Summary - May 2015. Collection method: clinical testing. Allele origin: germline.

PreventionGenetics, part of Exact Sciences
Classification: Likely benign for C1R-related condition. Last evaluated: 2021-07-07. Review status: no assertion criteria provided. Collection method: clinical testing. Allele origin: germline. Not counted in ClinVar's aggregate classification.
Comment: This variant is classified as likely benign based on ACMG/AMP sequence variant interpretation guidelines (Richards et al. 2015 PMID: 25741868, with internal and published modifications).

NM_001733.7(C1R):c.232-9T>C

Gene: C1R (complement C1r; minus strand). Cytogenetic location: 12p13.31.
Variant type: single nucleotide variant.
Coding change: c.232-9T>C on transcript NM_001733.7 (MANE Select); 9 bases into the intron before coding-DNA position 232, T replaced by C.
Molecular consequence: intron variant.
Genome position (GRCh38, 1-based): chr12:7,090,257, A>G on the plus strand (T>C on the coding strand, the complement: C1R is on the minus strand). VCF-style: chr12-7090257-A-G. GRCh37 (hg19) VCF-style: chr12-7242853-A-G.
Other names: c.274-9T>C (NM_001354346.2).
Identifiers: ClinVar variation 3029382 (VCV003029382.3), dbSNP rs751803218, ClinGen allele CA6424299.